The following is an entry in ClinVar:

ClinVar aggregate classification (germline): Uncertain significance (1 of 4 stars; one submission).

Allele frequency attached by ClinVar (database versions not stated): gnomAD exomes below 0.00001; TOPMed below 0.00001; ExAC 0.00001.

Submission:

Labcorp Genetics (formerly Invitae), Labcorp
Classification: Uncertain significance. Last evaluated: 2022-08-16. Review status: criteria provided, single submitter. Criteria: Invitae Variant Classification Sherloc (09022015). Collection method: clinical testing. Allele origin: germline.
Comment: Algorithms developed to predict the effect of missense changes on protein structure and function output the following: SIFT: "Tolerated"; PolyPhen-2: "Not Available"; Align-GVGD: "Class C0". The arginine amino acid residue is found in multiple mammalian species, which suggests that this missense change does not adversely affect protein function. In summary, the available evidence is currently insufficient to determine the role of this variant in disease. Therefore, it has been classified as a Variant of Uncertain Significance. This variant has not been reported in the literature in individuals affected with PTPN23-related conditions. This variant is present in population databases (rs757552465, gnomAD 0.002%). This sequence change replaces glycine, which is neutral and non-polar, with arginine, which is basic and polar, at codon 842 of the PTPN23 protein (p.Gly842Arg).

NM_015466.4(PTPN23):c.2524G>C (p.Gly842Arg)

Gene: PTPN23 (protein tyrosine phosphatase non-receptor type 23; plus strand). Cytogenetic location: 3p21.31.
Variant type: single nucleotide variant.
Coding change: c.2524G>C on transcript NM_015466.4 (MANE Select); coding-DNA position 2524, G replaced by C.
Protein change: p.Gly842Arg; replaces glycine 842 with arginine.
Molecular consequence: missense variant.
Genome position (GRCh38, 1-based): chr3:47,410,322, G>C. VCF-style: chr3-47410322-G-C. GRCh37 (hg19) VCF-style: chr3-47451812-G-C.
Other names: c.2146G>C, p.Gly716Arg (NM_001304482.2); short protein forms G716R, G842R.
Identifiers: ClinVar variation 2038791 (VCV002038791.4), dbSNP rs757552465, ClinGen allele CA2366067.